The following is an entry in ClinVar:

NM_000049.4(ASPA):c.530dup (p.Glu178fs)

Genes: ASPA (aspartoacylase; plus strand), SPATA22 (spermatogenesis associated 22; minus strand). Cytogenetic location: 17p13.2.
Variant type: Duplication.
Coding change: c.530dup on transcript NM_000049.4 (MANE Select); coding-DNA position 530, one base duplicated (T; older notation c.530dupT).
Protein change: p.Glu178fs; shifts the reading frame from glutamic acid 178.
Molecular consequence: frameshift variant. On other transcripts: intron variant (2).
Genome position (GRCh38, 1-based): chr17:3,489,238, T duplicated. VCF-style (leftmost placement, unchanged base first): chr17-3489237-A-AT. GRCh37 (hg19) VCF-style: chr17-3392531-A-AT.
Other names: c.530dup, p.Glu178fs (NM_001128085.1); c.-73-19840dup (NM_001321336.2, NM_001321337.2); short protein forms E178fs.
Identifiers: ClinVar variation 3698778 (VCV003698778.2).

ClinVar aggregate classification (germline): Pathogenic (1 of 4 stars; one submission).

Conditions:
Spongy degeneration of central nervous system. Also called: ACY2 DEFICIENCY; AMINOACYLASE 2 DEFICIENCY; ASP DEFICIENCY; ASPA DEFICIENCY; ASPARTOACYLASE DEFICIENCY; CANAVAN-VAN BOGAERT-BERTRAND DISEASE. Identifiers: Orphanet 141, MedGen C0206307, MONDO:0010079, OMIM 271900.

Submission:

Labcorp Genetics (formerly Invitae), Labcorp
Classification: Pathogenic for Spongy degeneration of central nervous system. Last evaluated: 2024-01-29. Review status: criteria provided, single submitter. Criteria: Invitae Variant Classification Sherloc (09022015). Collection method: clinical testing. Allele origin: germline.
Comment: This sequence change creates a premature translational stop signal (p.Glu178Argfs*13) in the ASPA gene. It is expected to result in an absent or disrupted protein product. Loss-of-function variants in ASPA are known to be pathogenic (PMID: 12638939). This variant is not present in population databases (gnomAD no frequency). This variant has not been reported in the literature in individuals affected with ASPA-related conditions. For these reasons, this variant has been classified as Pathogenic.

Literature cited by the submitters: PubMed 12638939.